The following is an entry in ClinVar:

ClinVar aggregate classification (germline): Likely benign. Review status: criteria provided, multiple submitters, no conflicts (2 of 4 stars). 3 submissions from 3 submitters: Likely benign (3). Last evaluated 2025-08-11.

Conditions:
Left ventricular noncompaction 8 (LVNC8). Identifiers: Orphanet 154, Orphanet 54260, MedGen C3809288, MONDO:0014152, OMIM 615373.

Allele frequency attached by ClinVar (database versions not stated): TOPMed 0.00022; ExAC 0.00024; gnomAD 0.00032.
gnomAD v4.1: 125 of 1,613,570 alleles (0.0077%); highest among the groups gnomAD compares: East Asian, 0.22%; no homozygotes.

Submissions (3):

Labcorp Genetics (formerly Invitae), Labcorp
Classification: Likely benign for Left ventricular noncompaction 8. Last evaluated: 2025-08-11. Review status: criteria provided, single submitter. Criteria: Invitae Variant Classification Sherloc (09022015). Collection method: clinical testing. Allele origin: germline.

Blueprint Genetics
Classification: Likely benign. Last evaluated: 2024-04-18. Review status: criteria provided, single submitter. Criteria: ACMG Guidelines, 2015. Collection method: clinical testing. Allele origin: germline.

GeneDx
Classification: Likely benign. Last evaluated: 2016-11-30. Review status: criteria provided, single submitter. Criteria: GeneDx Variant Classification (06012015). Collection method: clinical testing. Allele origin: germline. Affected: yes.
Comment: This variant is considered likely benign or benign based on one or more of the following criteria: it is a conservative change, it occurs at a poorly conserved position in the protein, it is predicted to be benign by multiple in silico algorithms, and/or has population frequency not consistent with disease.

NM_022114.4(PRDM16):c.488C>T (p.Ala163Val)

Gene: PRDM16 (PR/SET domain 16; plus strand). Cytogenetic location: 1p36.32.
Variant type: single nucleotide variant.
Coding change: c.488C>T on transcript NM_022114.4 (MANE Select); coding-DNA position 488, C replaced by T.
Protein change: p.Ala163Val; replaces alanine 163 with valine.
Molecular consequence: missense variant.
Genome position (GRCh38, 1-based): chr1:3,385,201, C>T. VCF-style: chr1-3385201-C-T. GRCh37 (hg19) VCF-style: chr1-3301765-C-T.
Other names: c.488C>T, p.Ala163Val (NM_199454.3); short protein forms A163V.
Identifiers: ClinVar variation 391177 (VCV000391177.12), dbSNP rs201182055, ClinGen allele CA543835.
Genomic context (GRCh38, chr1:3,385,201, plus strand): 5'-CCTCCCAGCAGATCTCCGAAGACCTGGGCAGTGAGAAGTTCTGCGTGGATGCAAATCAGG[C>T]GGGGGCTGGCAGCTGGCTCAAGTACATCCGTGTGGCGTGCTCCTGCGATGACCAGAACCT-3'
Protein context (NP_071397.3, residues 153-173): SEKFCVDANQ[Ala163Val]GAGSWLKYIR